The following is an entry in ClinVar:

ClinVar aggregate classification (germline): Likely benign (1 of 4 stars; one submission).

Conditions:
Sessile serrated polyposis cancer syndrome (SSPCS). Identifiers: Orphanet 157798, MedGen C4310714, MONDO:0014919, OMIM 617108.

Submission:

Myriad Genetics, Inc.
Classification: Likely benign for Sessile serrated polyposis cancer syndrome. Last evaluated: 2026-06-26. Review status: criteria provided, single submitter. Criteria: Myriad Autosomal Dominant, Autosomal Recessive and X-Linked Classification Criteria (2023). Collection method: clinical testing. Allele origin: unknown.
Comment: This variant is considered likely benign. This variant is intronic and is not expected to impact mRNA splicing.

NM_017763.6(RNF43):c.849+9G>A

Gene: RNF43 (ring finger protein 43; minus strand). Cytogenetic location: 17q22.
Variant type: single nucleotide variant.
Coding change: c.849+9G>A on transcript NM_017763.6 (MANE Select); 9 bases into the intron after coding-DNA position 849, G replaced by A.
Molecular consequence: intron variant.
Genome position (GRCh38, 1-based): chr17:58,360,774, C>T on the plus strand (G>A on the coding strand, the complement: RNF43 is on the minus strand). VCF-style: chr17-58360774-C-T. GRCh37 (hg19) VCF-style: chr17-56438135-C-T.
Other names: c.849+9G>A (NM_001438822.1, NM_001305544.3, NM_001438820.1 and 1 more transcripts); c.468+9G>A (NM_001305545.2, NM_001437987.1).
Identifiers: ClinVar variation 4875754 (VCV004875754.1).
Genomic context (GRCh38, chr17:58,360,774, plus strand): 5'-TGCCCACCCCTCCCCCAGCTTCAATCTCCCCAGTCTGGTCATGGAGGTGAACCACAAGAC[C>T]TGCCTTACCTGCCCCTCAGAGAACTCCTCCAGACAGATGGCACACACAGGGGCTGAGCTG-3'